The following is an entry in ClinVar:

ClinVar aggregate classification (germline): Pathogenic (0 of 4 stars; one submission).

Submission:

ISCA Site 6
Classification: Pathogenic. Last evaluated: 2011-08-11. Review status: no assertion criteria provided. Collection method: clinical testing. Allele origin: unknown. Affected: yes. Observed: 1 variant allele.
Comment: Copy number variation identified through the course of routine clinical cytogenomic testing in postnatal populations. Clinical assertions have been curated as described in Kaminsky et al. 2011.

Copy number variation identified through the course of routine clinical cytogenomic testing in postnatal populations. Clinical assertions have been curated as described in Kaminsky, et al. 2011 (PubMed 21844811). For additional ClinGen data, please see nstd37.

GRCh38/hg38 3q29(chr3:196035777-197662231)x3

Genes: MELTF (melanotransferrin; minus strand), MELTF-AS1 (MELTF antisense RNA 1; plus strand), MIR4797 (microRNA 4797; minus strand), NCBP2 (nuclear cap binding protein subunit 2; minus strand), NCBP2-AS1 (NCBP2 antisense RNA 1; plus strand) and 108 more. Cytogenetic location: 3q29.
Variant type: copy number gain.
Change: copy number 3 (three copies instead of two) of chr3:196,035,777-197,662,231 (1.63 Mb, GRCh38 coordinates, 1-based), cytogenetic band 3q29.
Identifiers: ClinVar variation 59986 (VCV000059986.3).